The following is an entry in ClinVar:

ClinVar aggregate classification (germline): Uncertain significance (1 of 4 stars; one submission).

Conditions:
RYR1-related disorder. Also called: RYR1-related condition; RYR1-related disorders. Identifiers: MedGen CN239331.

Submission:

Labcorp Genetics (formerly Invitae), Labcorp
Classification: Uncertain significance for RYR1-related disorder. Last evaluated: 2024-01-07. Review status: criteria provided, single submitter. Criteria: Invitae Variant Classification Sherloc (09022015). Collection method: clinical testing. Allele origin: germline.
Comment: This sequence change falls in intron 82 of the RYR1 gene. It does not directly change the encoded amino acid sequence of the RYR1 protein. It affects a nucleotide within the consensus splice site. This variant is not present in population databases (gnomAD no frequency). This variant has not been reported in the literature in individuals affected with RYR1-related conditions. Variants that disrupt the consensus splice site are a relatively common cause of aberrant splicing (PMID: 17576681, 9536098). Algorithms developed to predict the effect of sequence changes on RNA splicing suggest that this variant is not likely to affect RNA splicing. In summary, the available evidence is currently insufficient to determine the role of this variant in disease. Therefore, it has been classified as a Variant of Uncertain Significance.

Literature cited by the submitters: PubMed 17576681; PubMed 9536098.

NM_000540.3(RYR1):c.11590+6G>A

Gene: RYR1 (ryanodine receptor 1; plus strand). Cytogenetic location: 19q13.2.
Variant type: single nucleotide variant.
Coding change: c.11590+6G>A on transcript NM_000540.3 (MANE Select); 6 bases into the intron after coding-DNA position 11590, G replaced by A.
Molecular consequence: intron variant.
Genome position (GRCh38, 1-based): chr19:38,536,076, G>A. VCF-style: chr19-38536076-G-A. GRCh37 (hg19) VCF-style: chr19-39026716-G-A.
Other names: c.11575+6G>A (NM_001042723.2).
Identifiers: ClinVar variation 2874982 (VCV002874982.3), dbSNP rs2514536147, ClinGen allele CA2739276719.